The following is an entry in ClinVar:

ClinVar aggregate classification (germline): Uncertain significance (1 of 4 stars; one submission).

Conditions:
Early-onset Parkinson disease 20. Also called: PARKINSON DISEASE 20, AUTOSOMAL RECESSIVE EARLY-ONSET. Identifiers: Orphanet 391411, MedGen C3809824, MONDO:0014233, OMIM 615530.
Developmental and epileptic encephalopathy, 53. Also called: Epileptic encephalopathy, early infantile, 53. Identifiers: MedGen C4479313, MONDO:0033362, OMIM 617389.

Submission:

Labcorp Genetics (formerly Invitae), Labcorp
Classification: Uncertain significance for Developmental and epileptic encephalopathy, 53; Early-onset Parkinson disease 20. Last evaluated: 2022-08-22. Review status: criteria provided, single submitter. Criteria: Invitae Variant Classification Sherloc (09022015). Collection method: clinical testing. Allele origin: germline.
Comment: This sequence change replaces serine, which is neutral and polar, with proline, which is neutral and non-polar, at codon 1032 of the SYNJ1 protein (p.Ser1032Pro). This variant is not present in population databases (gnomAD no frequency). This variant has not been reported in the literature in individuals affected with SYNJ1-related conditions. Algorithms developed to predict the effect of missense changes on protein structure and function are either unavailable or do not agree on the potential impact of this missense change (SIFT: "Deleterious"; PolyPhen-2: "Probably Damaging"; Align-GVGD: "Class C0"). In summary, the available evidence is currently insufficient to determine the role of this variant in disease. Therefore, it has been classified as a Variant of Uncertain Significance.

NM_203446.3(SYNJ1):c.2977T>C (p.Ser993Pro)

Gene: SYNJ1 (synaptojanin 1; minus strand). Cytogenetic location: 21q22.11.
Variant type: single nucleotide variant.
Coding change: c.2977T>C on transcript NM_203446.3 (MANE Select); coding-DNA position 2977, T replaced by C.
Protein change: p.Ser993Pro; replaces serine 993 with proline.
Molecular consequence: missense variant.
Genome position (GRCh38, 1-based): chr21:32,650,244, A>G on the plus strand (T>C on the coding strand, the complement: SYNJ1 is on the minus strand). VCF-style: chr21-32650244-A-G. GRCh37 (hg19) VCF-style: chr21-34022554-A-G.
Other names: c.2977T>C, p.Ser993Pro (NM_001160302.2); c.2962T>C, p.Ser988Pro (NM_001160306.2); c.3094T>C, p.Ser1032Pro (NM_003895.4); short protein forms S1032P, S988P, S993P.
Identifiers: ClinVar variation 1717542 (VCV001717542.3), dbSNP rs2517472599, ClinGen allele CA410070572.